The following is an entry in ClinVar:

ClinVar aggregate classification (germline): Likely benign. Review status: criteria provided, multiple submitters, no conflicts (2 of 4 stars). 2 submissions from 2 submitters: Likely benign (2). Last evaluated 2026-08-01.

Allele frequency attached by ClinVar (database versions not stated): ExAC 0.00005; 1000 Genomes Project 30x 0.00031; 1000 Genomes Project 0.00040.
gnomAD v4.1: 32 of 1,613,868 alleles (0.002%); highest among the groups gnomAD compares: Admixed American, 0.032%; 1 homozygote.

Submissions (2):

CeGaT Center for Human Genetics Tuebingen
Classification: Likely benign. Last evaluated: 2026-08-01. Review status: criteria provided, single submitter. Criteria: CeGaT Center For Human Genetics Tuebingen Variant Classification Criteria Version 2. Collection method: clinical testing. Allele origin: germline. Affected: yes. Observed: 1 variant allele.
Comment: VPS13D: BP4, BP7

Labcorp Genetics (formerly Invitae), Labcorp
Classification: Likely benign. Last evaluated: 2025-10-01. Review status: criteria provided, single submitter. Criteria: Invitae Variant Classification Sherloc (09022015). Collection method: clinical testing. Allele origin: germline.

NM_015378.4(VPS13D):c.10506G>T (p.Thr3502=)

Gene: VPS13D (vacuolar protein sorting 13 homolog D; plus strand). Cytogenetic location: 1p36.22.
Variant type: single nucleotide variant.
Coding change: c.10506G>T on transcript NM_015378.4 (MANE Select); coding-DNA position 10506, G replaced by T.
Protein change: p.Thr3502=; no amino-acid change (threonine 3502 retained).
Molecular consequence: synonymous variant.
Genome position (GRCh38, 1-based): chr1:12,368,525, G>T. VCF-style: chr1-12368525-G-T. GRCh37 (hg19) VCF-style: chr1-12428580-G-T.
Other names: c.10431G>T, p.Thr3477= (NM_018156.4).
Identifiers: ClinVar variation 2186590 (VCV002186590.5), dbSNP rs192855928, ClinGen allele CA603711.